The following is an entry in ClinVar:

NM_001244008.2(KIF1A):c.506G>A (p.Arg169Lys)

Gene: KIF1A (kinesin family member 1A; minus strand). Cytogenetic location: 2q37.3.
Variant type: single nucleotide variant.
Coding change: c.506G>A on transcript NM_001244008.2 (MANE Select); coding-DNA position 506, G replaced by A.
Protein change: p.Arg169Lys; replaces arginine 169 with lysine.
Molecular consequence: missense variant.
Genome position (GRCh38, 1-based): chr2:240,786,437, C>T on the plus strand (G>A on the coding strand, the complement: KIF1A is on the minus strand). VCF-style: chr2-240786437-C-T. GRCh37 (hg19) VCF-style: chr2-241725854-C-T.
Other names: c.506G>A, p.Arg169Lys (NM_001320705.2, NM_001330289.2, NM_001330290.2 and 20 more transcripts); short protein forms R169K.
Identifiers: ClinVar variation 234697 (VCV000234697.3), dbSNP rs876661168, ClinGen allele CA10577248.

ClinVar aggregate classification (germline): Pathogenic/Likely pathogenic. Review status: criteria provided, multiple submitters, no conflicts (2 of 4 stars). 2 submissions from 2 submitters: Pathogenic (1); Likely pathogenic (1). Last evaluated 2025-02-16.

Submissions (2):

Laboratory of Genetics, Children's Clinical University Hospital Latvia
Classification: Likely pathogenic. Last evaluated: 2025-02-16. Review status: criteria provided, single submitter. Criteria: ACMG Guidelines, 2015. Collection method: clinical testing. Allele origin: germline. Affected: yes.

GeneDx
Classification: Pathogenic. Last evaluated: 2015-12-17. Review status: criteria provided, single submitter. Criteria: GeneDx Variant Classification (06012015). Collection method: clinical testing. Allele origin: germline. Affected: yes.
Comment: The R169K pathogenic variant in the KIF1A gene has not been reported previously as a pathogenic variant nor as a benign variant, to our knowledge. The R169K variant was not observed in approximately 6,400 individuals of European and African American ancestry in the NHLBI Exome Sequencing Project, indicating it is not a common benign variant in these populations. The R169K variant is a conservative amino acid substitution, which is not likely to impact secondary protein structure as these residues share similar properties. This substitution occurs at a position that is conserved across species. In silico analysis predicts this variant is probably damaging to the protein structure/function. A missense variant in a nearby residue (R167C) has been reported in the Human Gene Mutation Database in association with intellectual disability and spastic paraparesis (Stenson et al., 2014), supporting the functional importance of this region of the protein. We interpret R169K as a pathogenic variant.